The following is an entry in ClinVar:

ClinVar aggregate classification (germline): Uncertain significance (1 of 4 stars; one submission).

Allele frequency attached by ClinVar (database versions not stated): gnomAD exomes below 0.00001.
gnomAD v4.1: 2 of 1,604,968 alleles (0.00012%); highest among the groups gnomAD compares: Non-Finnish European, 0.000085%; no homozygotes.

Submission:

Labcorp Genetics (formerly Invitae), Labcorp
Classification: Uncertain significance. Last evaluated: 2021-11-26. Review status: criteria provided, single submitter. Criteria: Invitae Variant Classification Sherloc (09022015). Collection method: clinical testing. Allele origin: germline.
Comment: In summary, the available evidence is currently insufficient to determine the role of this variant in disease. Therefore, it has been classified as a Variant of Uncertain Significance. Algorithms developed to predict the effect of missense changes on protein structure and function output the following: SIFT: "Tolerated"; PolyPhen-2: "Not Available"; Align-GVGD: "Class C0". The valine amino acid residue is found in multiple mammalian species, which suggests that this missense change does not adversely affect protein function. This variant has not been reported in the literature in individuals affected with PTPN23-related conditions. This variant is not present in population databases (gnomAD no frequency). This sequence change replaces alanine, which is neutral and non-polar, with valine, which is neutral and non-polar, at codon 966 of the PTPN23 protein (p.Ala966Val).

NM_015466.4(PTPN23):c.2897C>T (p.Ala966Val)

Gene: PTPN23 (protein tyrosine phosphatase non-receptor type 23; plus strand). Cytogenetic location: 3p21.31.
Variant type: single nucleotide variant.
Coding change: c.2897C>T on transcript NM_015466.4 (MANE Select); coding-DNA position 2897, C replaced by T.
Protein change: p.Ala966Val; replaces alanine 966 with valine.
Molecular consequence: missense variant.
Genome position (GRCh38, 1-based): chr3:47,410,695, C>T. VCF-style: chr3-47410695-C-T. GRCh37 (hg19) VCF-style: chr3-47452185-C-T.
Other names: c.2519C>T, p.Ala840Val (NM_001304482.2); short protein forms A840V, A966V.
Identifiers: ClinVar variation 1442137 (VCV001442137.4), dbSNP rs1228916203, ClinGen allele CA352560738.
Genomic context (GRCh38, chr3:47,410,695, plus strand): 5'-TTCCAGCCCCAAGGATTGGGCCCCAGCCCCAGCCCCATCCTCAGCCCCATCCTTCACAAG[C>T]GTTTGGGCCTCAGCCCCCACAGCAGCCCCTTCCACTCCAGCATCCACATCTCTTCCCACC-3'
Protein context (NP_056281.1, residues 956-976): QPHPQPHPSQ[Ala966Val]FGPQPPQQPL